The following is an entry in ClinVar:

NM_014285.7(EXOSC2):c.851C>T (p.Thr284Ile)

Gene: EXOSC2 (exosome component 2; plus strand). Cytogenetic location: 9q34.12.
Variant type: single nucleotide variant.
Coding change: c.851C>T on transcript NM_014285.7 (MANE Select); coding-DNA position 851, C replaced by T.
Protein change: p.Thr284Ile; replaces threonine 284 with isoleucine.
Molecular consequence: missense variant. On other transcripts: non-coding transcript variant (1).
Genome position (GRCh38, 1-based): chr9:130,703,743, C>T. VCF-style: chr9-130703743-C-T. GRCh37 (hg19) VCF-style: chr9-133579130-C-T.
Other names: c.773C>T, p.Thr258Ile (NM_001282708.1); c.761C>T, p.Thr254Ile (NM_001282709.1); short protein forms T254I, T258I, T284I.
Identifiers: ClinVar variation 1403625 (VCV001403625.8), dbSNP rs1831269162, ClinGen allele CA375248580.
Genomic context (GRCh38, chr9:130,703,743, plus strand): 5'-CCCTTTTTCAGATCAAAGACATCTTAAAGCCAGAAATAATGGAGGAGATTGTGATGGAAA[C>T]ACGCCAGAGGCTTTTGGAACAGGAGGGATAAGGAGGTGCTCCAGAAGCACGGGACTGTGG-3'
Protein context (NP_055100.2, residues 274-293): PEIMEEIVME[Thr284Ile]RQRLLEQEG

ClinVar aggregate classification (germline): Uncertain significance (1 of 4 stars; one submission).

Allele frequency attached by ClinVar (database versions not stated): gnomAD exomes below 0.00001.
gnomAD v4.1: 1 of 1,613,878 alleles (0.000062%); highest among the groups gnomAD compares: Non-Finnish European, 0.000085%; no homozygotes.

Submission:

Labcorp Genetics (formerly Invitae), Labcorp
Classification: Uncertain significance. Last evaluated: 2021-06-30. Review status: criteria provided, single submitter. Criteria: Invitae Variant Classification Sherloc (09022015). Collection method: clinical testing. Allele origin: germline.
Comment: This sequence change replaces threonine with isoleucine at codon 284 of the EXOSC2 protein (p.Thr284Ile). The threonine residue is highly conserved and there is a moderate physicochemical difference between threonine and isoleucine. This variant is not present in population databases (ExAC no frequency). This variant has not been reported in the literature in individuals affected with EXOSC2-related conditions. Algorithms developed to predict the effect of missense changes on protein structure and function are either unavailable or do not agree on the potential impact of this missense change (SIFT: "Tolerated"; PolyPhen-2: "Possibly Damaging"; Align-GVGD: "Class C0"). In summary, the available evidence is currently insufficient to determine the role of this variant in disease. Therefore, it has been classified as a Variant of Uncertain Significance.